The following is an entry in ClinVar:

ClinVar aggregate classification (germline): Uncertain significance. Review status: criteria provided, multiple submitters, no conflicts (2 of 4 stars). 2 submissions from 2 submitters: Uncertain significance (2). Last evaluated 2025-05-26.

Conditions:
Gastrointestinal stromal tumor. Also called: Gastrointestinal stromal tumor, somatic; Gastrointestinal stroma tumor. Identifiers: Orphanet 44890, MedGen C0238198, MeSH D046152, MONDO:0011719, OMIM 606764, HP:0100723.
Pheochromocytoma/paraganglioma syndrome 3. Also called: GLOMUS TUMORS, FAMILIAL, 3; SDHC-Related Hereditary Paraganglioma-Pheochromocytoma Syndrome; Paragangliomas 3; SDHC-Related Hereditary Paraganglioma-Pheochromocytoma Syndrome (Paragangliomas 3). Identifiers: Orphanet 29072, MedGen C1854336, MONDO:0011544, OMIM 605373.
Hereditary cancer-predisposing syndrome. Also called: Hereditary neoplastic syndrome; Neoplastic Syndromes, Hereditary; Hereditary Cancer Syndrome; Tumor predisposition. Identifiers: Orphanet 140162, MedGen C0027672, MeSH D009386, MONDO:0015356.

Allele frequency attached by ClinVar (database versions not stated): gnomAD exomes below 0.00001 and 0.00001; ExAC 0.00001.
gnomAD v4.1: 8 of 1,613,304 alleles (0.0005%); highest among the groups gnomAD compares: South Asian, 0.0077%; no homozygotes.

Submissions (2):

Ambry Genetics
Classification: Uncertain significance for Hereditary cancer-predisposing syndrome. Last evaluated: 2025-05-26. Review status: criteria provided, single submitter. Criteria: Ambry Variant Classification Scheme 2023. Collection method: clinical testing. Allele origin: germline.
Comment: The p.T33A variant (also known as c.97A>G), located in coding exon 3 of the SDHC gene, results from an A to G substitution at nucleotide position 97. The threonine at codon 33 is replaced by alanine, an amino acid with similar properties. This amino acid position is conserved. In addition, the in silico prediction for this alteration is inconclusive. Since supporting evidence is limited at this time, the clinical significance of this alteration remains unclear.

Labcorp Genetics (formerly Invitae), Labcorp
Classification: Uncertain significance for Pheochromocytoma/paraganglioma syndrome 3; Gastrointestinal stromal tumor. Last evaluated: 2024-02-03. Review status: criteria provided, single submitter. Criteria: Invitae Variant Classification Sherloc (09022015). Collection method: clinical testing. Allele origin: germline.
Comment: This sequence change replaces threonine, which is neutral and polar, with alanine, which is neutral and non-polar, at codon 33 of the SDHC protein (p.Thr33Ala). This variant is present in population databases (rs747828462, gnomAD 0.003%). This variant has not been reported in the literature in individuals affected with SDHC-related conditions. ClinVar contains an entry for this variant (Variation ID: 965823). An algorithm developed to predict the effect of missense changes on protein structure and function (PolyPhen-2) suggests that this variant is likely to be tolerated. In summary, the available evidence is currently insufficient to determine the role of this variant in disease. Therefore, it has been classified as a Variant of Uncertain Significance.

NM_003001.5(SDHC):c.97A>G (p.Thr33Ala)

Gene: SDHC (succinate dehydrogenase complex subunit C; plus strand). Cytogenetic location: 1q23.3.
Variant type: single nucleotide variant.
Coding change: c.97A>G on transcript NM_003001.5 (MANE Select); coding-DNA position 97, A replaced by G.
Protein change: p.Thr33Ala; replaces threonine 33 with alanine.
Molecular consequence: missense variant. On other transcripts: 5 prime UTR variant (2), non-coding transcript variant (1), intron variant (4).
Genome position (GRCh38, 1-based): chr1:161,328,415, A>G. VCF-style: chr1-161328415-A-G. GRCh37 (hg19) VCF-style: chr1-161298205-A-G.
Other names: c.97A>G, p.Thr33Ala (NM_001035511.3, NM_001407115.1); c.40A>G, p.Thr14Ala (NM_001407116.1, NM_001407117.1, NM_001407121.1); c.-15A>G (NM_001407119.1, NM_001407120.1); c.77+4745A>G (NM_001035512.3, NM_001278172.3, NM_001407118.1); c.21-12179A>G (NM_001035513.3); short protein forms T33A, T14A.
Identifiers: ClinVar variation 965823 (VCV000965823.13), dbSNP rs747828462, ClinGen allele CA048686.